The following is an entry in ClinVar:

ClinVar aggregate classification (germline): Conflicting classifications of pathogenicity. Review status: criteria provided, conflicting classifications (1 of 4 stars). 3 submissions from 3 submitters: Uncertain significance (1); Likely benign (2). Last evaluated 2025-10-20.

Conditions:
Intellectual disability, autosomal recessive 53 (NEDHSCA). Also called: GLYCOSYLPHOSPHATIDYLINOSITOL BIOSYNTHESIS DEFECT 13; Mental retardation, autosomal recessive 53; NEURODEVELOPMENTAL DISORDER WITH OR WITHOUT HYPOTONIA, SEIZURES, AND CEREBELLAR ATROPHY. Identifiers: Orphanet 488635, MedGen C4310794, MONDO:0014832, OMIM 616917.
Inborn genetic diseases. Identifiers: MedGen C0950123, MeSH D030342.

Allele frequency attached by ClinVar (database versions not stated): gnomAD 0.00009; gnomAD exomes 0.00009 and 0.00016; TOPMed 0.00010; ESP Exome Variant Server 0.00015; ExAC 0.00021.
gnomAD v4.1: 159 of 1,607,600 alleles (0.0099%); highest among the groups gnomAD compares: Non-Finnish European, 0.0019%; no homozygotes.

Submissions (3):

Labcorp Genetics (formerly Invitae), Labcorp
Classification: Likely benign for Intellectual disability, autosomal recessive 53. Last evaluated: 2025-10-20. Review status: criteria provided, single submitter. Criteria: Invitae Variant Classification Sherloc (09022015). Collection method: clinical testing. Allele origin: germline.

Blueprint Genetics
Classification: Likely benign. Last evaluated: 2024-02-14. Review status: criteria provided, single submitter. Criteria: ACMG Guidelines, 2015. Collection method: clinical testing. Allele origin: germline.

Ambry Genetics
Classification: Uncertain significance for Inborn genetic diseases. Last evaluated: 2021-02-09. Review status: criteria provided, single submitter. Criteria: Ambry Variant Classification Scheme 2023. Collection method: clinical testing. Allele origin: germline.
Comment: The c.759+3G>A intronic alteration consists of a G to A substitution 3 nucleotides after exon 4 (coding exon 4) in the PIGG gene. Based on insufficient or conflicting evidence, the clinical significance of this alteration remains unclear.

NM_001127178.3(PIGG):c.759+3G>A

Gene: PIGG (phosphatidylinositol glycan anchor biosynthesis class G (EMM blood group); plus strand). Cytogenetic location: 4p16.3.
Variant type: single nucleotide variant.
Coding change: c.759+3G>A on transcript NM_001127178.3 (MANE Select); 3 bases into the intron after coding-DNA position 759, G replaced by A.
Molecular consequence: intron variant.
Genome position (GRCh38, 1-based): chr4:507,596, G>A. VCF-style: chr4-507596-G-A. GRCh37 (hg19) VCF-style: chr4-501385-G-A.
Other names: c.-454+3G>A (NM_001345994.2); c.492+3G>A (NM_001345986.2, NM_001345987.2, NM_001289051.2 and 2 more transcripts); c.-729+3G>A (NM_001345991.2); c.-129+3G>A (NM_001345988.2); c.-867+3G>A (NM_001345990.2); c.759+3G>A (NM_017733.5, NM_001345989.2, NM_001127178.1); c.361-1233G>A (NM_001289052.2); c.393+3G>A (NM_001289055.2).
Identifiers: ClinVar variation 726007 (VCV000726007.11), dbSNP rs373571744, ClinGen allele CA2793079.